The following is an entry in ClinVar:

NM_001145026.2(PTPRQ):c.5686+28dup

Gene: PTPRQ (protein tyrosine phosphatase receptor type Q; plus strand). Cytogenetic location: 12q21.31.
Variant type: Duplication.
Coding change: c.5686+28dup on transcript NM_001145026.2 (MANE Select); 28 bases into the intron after coding-DNA position 5686, one base duplicated (A; older notation c.5686+28dupA).
Molecular consequence: intron variant.
Genome position (GRCh38, 1-based): chr12:80,622,162, A duplicated; the last of 2 consecutive A bases (chr12:80,622,161-80,622,162); duplicating either gives the same sequence. VCF-style (leftmost placement, unchanged base first): chr12-80622160-T-TA. GRCh37 (hg19) VCF-style: chr12-81015939-T-TA.
Identifiers: ClinVar variation 2430800 (VCV002430800.1), dbSNP rs201163191, ClinGen allele CA6702851.

ClinVar aggregate classification (germline): Likely benign (1 of 4 stars; one submission).

Submission:

GeneDx
Classification: Likely benign. Last evaluated: 2020-07-22. Review status: criteria provided, single submitter. Criteria: GeneDx Variant Classification Process June 2021. Collection method: clinical testing. Allele origin: germline. Affected: yes.
Comment: See Variant Classification Assertion Criteria.